The following is an entry in ClinVar:

NM_001166108.2(PALLD):c.3344G>A (p.Arg1115Lys)

Genes: CBR4 (carbonyl reductase 4; minus strand), PALLD (palladin, cytoskeletal associated protein; plus strand). Cytogenetic location: 4q32.3.
Variant type: single nucleotide variant.
Coding change: c.3344G>A on transcript NM_001166108.2 (MANE Select); coding-DNA position 3344, G replaced by A.
Protein change: p.Arg1115Lys; replaces arginine 1115 with lysine.
Molecular consequence: missense variant.
Genome position (GRCh38, 1-based): chr4:168,925,064, G>A. VCF-style: chr4-168925064-G-A. GRCh37 (hg19) VCF-style: chr4-169846215-G-A.
Other names: c.2147G>A, p.Arg716Lys (NM_001166109.2); c.1832G>A, p.Arg611Lys (NM_001166110.2); c.1172G>A, p.Arg391Lys (NM_001367567.1, NM_001367569.1); c.1223G>A, p.Arg408Lys (NM_001367568.1, NM_001367570.1); c.3293G>A, p.Arg1098Lys (NM_016081.4); short protein forms R611K, R716K, R391K, R408K, R1098K, R1115K.
Identifiers: ClinVar variation 1729868 (VCV001729868.7), dbSNP rs1172864337, ClinGen allele CA358714334.
Genomic context (GRCh38, chr4:168,925,064, plus strand): 5'-ATGCTGGGTGGTATACTGTGTCAGCCAAGAATGAAGCAGGGATTGTGTCCTGTACTGCCA[G>A]GCTGGACGTTTACAGTGAGTGCCACTTCATCTCATTTCATTGCGTTTACTCATTAAATTA-3'
Protein context (NP_001159580.1, residues 1105-1123): NEAGIVSCTA[Arg1115Lys]LDVYISRH

ClinVar aggregate classification (germline): Uncertain significance. Review status: criteria provided, multiple submitters, no conflicts (2 of 4 stars). 2 submissions from 2 submitters: Uncertain significance (2). Last evaluated 2022-09-07.

Conditions:
Pancreatic adenocarcinoma. Identifiers: MedGen C0281361, MONDO:0006047, HP:0006725.

Allele frequency attached by ClinVar (database versions not stated): gnomAD 0.00001; TOPMed 0.00001.
gnomAD v4.1: 2 of 1,613,956 alleles (0.00012%); highest among the groups gnomAD compares: East Asian, 0.0045%; no homozygotes.

Submissions (2):

Labcorp Genetics (formerly Invitae), Labcorp
Classification: Uncertain significance for Pancreatic adenocarcinoma. Last evaluated: 2022-09-07. Review status: criteria provided, single submitter. Criteria: Invitae Variant Classification Sherloc (09022015). Collection method: clinical testing. Allele origin: germline.
Comment: Algorithms developed to predict the effect of missense changes on protein structure and function are either unavailable or do not agree on the potential impact of this missense change (SIFT: "Deleterious"; PolyPhen-2: "Benign"; Align-GVGD: "Class C25"). This variant has not been reported in the literature in individuals affected with PALLD-related conditions. This variant is present in population databases (no rsID available, gnomAD 0.006%). This sequence change replaces arginine, which is basic and polar, with lysine, which is basic and polar, at codon 611 of the PALLD protein (p.Arg611Lys). In summary, the available evidence is currently insufficient to determine the role of this variant in disease. Therefore, it has been classified as a Variant of Uncertain Significance.

Ambry Genetics
Classification: Uncertain significance. Last evaluated: 2022-06-07. Review status: criteria provided, single submitter. Criteria: Ambry Variant Classification Scheme 2023. Collection method: clinical testing. Allele origin: germline.
Comment: The p.R1098K variant (also known as c.3293G>A), located in coding exon 18 of the PALLD gene, results from a G to A substitution at nucleotide position 3293. The arginine at codon 1098 is replaced by lysine, an amino acid with highly similar properties. This amino acid position is conserved. In addition, the in silico prediction for this alteration is inconclusive. Since supporting evidence is limited at this time, the clinical significance of this alteration remains unclear.